The following is an entry in ClinVar:

NC_000012.11:g.(124163837_124171382)_(124181746_124184250)del

Gene: TCTN2 (tectonic family member 2; plus strand). Cytogenetic location: 12q24.31.
Variant type: Deletion.
Identifiers: ClinVar variation 1329048 (VCV001329048.1).

ClinVar aggregate classification (germline): Likely pathogenic (1 of 4 stars; one submission).

Conditions:
Joubert syndrome and related disorders. Identifiers: Orphanet 140874, MedGen C5679612, MONDO:0015369.

Submission:

Women's Health and Genetics/Laboratory Corporation of America, LabCorp
Classification: Likely pathogenic for Joubert syndrome and related disorders. Last evaluated: 2021-11-02. Review status: criteria provided, single submitter. Criteria: LabCorp Variant Classification Summary - May 2015. Collection method: clinical testing. Allele origin: germline.
Comment: Variant summary: The variant identified by MLPA or other technology involves the deletion of exons 6-13 in the TCTN2 gene. A presumed nomenclature of c.(564+1_565-1)_(1505+1_1506-1)del has been designated for the purposes of this classification. Although exact breakpoints of this deletion are not known, it is expected to result in a frameshift in the TCTN2 gene, a known mechanism of disease. The variant was absent in 21006 control chromosomes. To our knowledge, no occurrence of c.(564+1_565-1)_(1505+1_1506-1)del in individuals affected with Joubert Syndrome And Related Disorders and no experimental evidence demonstrating its impact on protein function have been reported. No clinical diagnostic laboratories have submitted clinical-significance assessments for this variant to ClinVar after 2014. Based on the evidence outlined above, the variant was classified as likely pathogenic.